The following is an entry in ClinVar:

ClinVar aggregate classification (germline): Benign. Review status: criteria provided, multiple submitters, no conflicts (2 of 4 stars). 2 submissions from 2 submitters: Benign (2). Last evaluated 2018-01-12.

Conditions:
Hyperlipoproteinemia, type I. Also called: Lipoprotein Lipase Deficiency; Lipase D deficiency; Familial hyperlipo-proteinemia type 1; Hyperlipemia essential familial; Familial Lipoprotein Lipase Deficiency; Hyperlipoproteinemia type 1. Identifiers: Orphanet 309015, Orphanet 444490, MedGen C0023817, MONDO:0009387, OMIM 238600. Disease mechanism: loss of function.

Allele frequency attached by ClinVar (database versions not stated): gnomAD 0.09151 and 0.09201; 1000 Genomes Project 30x 0.09307; TOPMed 0.08957; 1000 Genomes Project 0.09125.

Submissions (2):

Illumina Laboratory Services, Illumina
Classification: Benign for Hyperlipoproteinemia, type I. Last evaluated: 2018-01-12. Review status: criteria provided, single submitter. Criteria: ICSL Variant Classification Criteria 13 December 2019. Collection method: clinical testing. Allele origin: germline.
Comment: This variant was observed in the ICSL laboratory as part of a predisposition screen in an ostensibly healthy population. It had not been previously curated by ICSL or reported in the Human Gene Mutation Database (HGMD: prior to June 1st, 2018), and was therefore a candidate for classification through an automated scoring system. Utilizing variant allele frequency, disease prevalence and penetrance estimates, and inheritance mode, an automated score was calculated to assess if this variant is too frequent to cause the disease. Based on the score and internal cut-off values, a variant classified as benign is not then subjected to further curation. The score for this variant resulted in a classification of benign for this disease.

Breakthrough Genomics
Classification: Benign. Review status: criteria provided, single submitter. Criteria: ACMG Guidelines, 2015. Collection method: not provided. Allele origin: germline. Inheritance: Autosomal recessive inheritance. Affected: yes.

NM_000237.3(LPL):c.*853C>T

Gene: LPL (lipoprotein lipase; plus strand). Cytogenetic location: 8p21.3.
Variant type: single nucleotide variant.
Coding change: c.*853C>T on transcript NM_000237.3 (MANE Select); 853 bases downstream of the stop codon, C replaced by T.
Molecular consequence: 3 prime UTR variant.
Genome position (GRCh38, 1-based): chr8:19,966,163, C>T. VCF-style: chr8-19966163-C-T. GRCh37 (hg19) VCF-style: chr8-19823674-C-T.
Identifiers: ClinVar variation 362432 (VCV000362432.6), dbSNP rs1803924, ClinGen allele CA10630577.